The following is an entry in ClinVar:

ClinVar aggregate classification (germline): Conflicting classifications of pathogenicity. Review status: criteria provided, conflicting classifications (1 of 4 stars). 4 submissions from 4 submitters: Uncertain significance (1); Benign (2). 1 of the submissions does not count toward it. Last evaluated 2026-01-08.

Conditions:
KAT6A-related disorder. Also called: KAT6A-related condition.
Inborn genetic diseases. Identifiers: MedGen C0950123, MeSH D030342.

Allele frequency attached by ClinVar (database versions not stated): gnomAD exomes 0.00003 and 0.00011; ExAC 0.00015; 1000 Genomes Project 0.00020; 1000 Genomes Project 30x 0.00031; gnomAD 0.00038 and 0.00039; TOPMed 0.00042; ESP Exome Variant Server 0.00085.
gnomAD v4.1: 101 of 1,606,808 alleles (0.0063%); highest among the groups gnomAD compares: African/African-American, 0.13%; no homozygotes.

Submissions (4):

Labcorp Genetics (formerly Invitae), Labcorp
Classification: Benign. Last evaluated: 2026-01-08. Review status: criteria provided, single submitter. Criteria: Invitae Variant Classification Sherloc (09022015). Collection method: clinical testing. Allele origin: germline.

GeneDx
Classification: Benign. Last evaluated: 2020-03-11. Review status: criteria provided, single submitter. Criteria: GeneDx Variant Classification Process June 2021. Collection method: clinical testing. Allele origin: germline. Affected: yes.

Ambry Genetics
Classification: Uncertain significance for Inborn genetic diseases. Last evaluated: 2018-01-18. Review status: criteria provided, single submitter. Criteria: Ambry Variant Classification Scheme 2023. Collection method: clinical testing. Allele origin: germline.
Comment: The c.2226C>T variant (also known as p.D742D), located in coding exon 12, results from a C to T substitution at nucleotide position 2226 of the KAT6A gene. This nucleotide substitution does not change the amino acid at codon 742. This nucleotide position is well conserved in available vertebrate species. Using the BDGP and ESEfinder splice site prediction tools, this alteration is predicted to weaken the efficiency of the native splice donor site; however, direct evidence is unavailable. Since supporting evidence is limited at this time, the clinical significance of this alteration remains unclear.

PreventionGenetics, part of Exact Sciences
Classification: Likely benign for KAT6A-related condition. Last evaluated: 2022-06-30. Review status: no assertion criteria provided. Collection method: clinical testing. Allele origin: germline. Not counted in ClinVar's aggregate classification.
Comment: This variant is classified as likely benign based on ACMG/AMP sequence variant interpretation guidelines (Richards et al. 2015 PMID: 25741868, with internal and published modifications).

NM_006766.5(KAT6A):c.2226C>T (p.Asp742=)

Gene: KAT6A (lysine acetyltransferase 6A; minus strand). Cytogenetic location: 8p11.21.
Variant type: single nucleotide variant.
Coding change: c.2226C>T on transcript NM_006766.5 (MANE Select); coding-DNA position 2226, C replaced by T.
Protein change: p.Asp742=; no amino-acid change (aspartic acid 742 retained).
Molecular consequence: synonymous variant.
Genome position (GRCh38, 1-based): chr8:41,943,750, G>A on the plus strand (C>T on the coding strand, the complement: KAT6A is on the minus strand). VCF-style: chr8-41943750-G-A. GRCh37 (hg19) VCF-style: chr8-41801268-G-A.
Other names: c.2226C>T, p.Asp742= (NM_001305878.2); c.2226C>T (NM_006766.4).
Identifiers: ClinVar variation 1258419 (VCV001258419.14), dbSNP rs143212958, ClinGen allele CA4729957.
Genomic context (GRCh38, chr8:41,943,750, plus strand): 5'-TCCAAAAAACTTCAACCTAATTATCTTTCAAAGGTATACAAAAAGATGTGATACTCACTG[G>A]TCACTACGGAAGTCCAGCATTCGTAGGTGGTGGAGTGTGGAAGTGATGTCTTGAGGGCAG-3'
Protein context (NP_006757.2, residues 732-752): HHLRMLDFRS[Asp742=]QFVIIRREKL